The following is an entry in ClinVar:

ClinVar aggregate classification (germline): Pathogenic (1 of 4 stars; one submission).

Conditions:
Mucopolysaccharidosis, MPS-II (MPS2). Also called: Hunter Syndrome; IDURONATE 2-SULFATASE DEFICIENCY; Mucopolysaccharidosis Type II; Mucopolysaccharidosis type 2; Attenuated MPS (subtype; formerly known as mild MPS II); Severe MPS II. Identifiers: Orphanet 580, Orphanet 79388, MedGen C0026705, MONDO:0010674, OMIM 309900.

Submission:

Laboratory of Diagnosis and Therapy of Lysosomal Disorders, University of Padova
Classification: Pathogenic for Mucopolysaccharidosis, MPS-II. Last evaluated: 2024-06-07. Review status: criteria provided, single submitter. Criteria: ACMG Guidelines, 2015. Collection method: literature only. Allele origin: germline. Affected: yes. Observed: 1 variant allele.
Comment: Absent from controls (or at low frequency) in gnomAD database (PM2_Moderate), Missense change at the same amino acid residue as a pathogenic variant (PM5_Moderate), Missense variant in a gene with a low rate of benign missense variation (PP2_Supporting), Multiple lines of computational evidence support a deleterious effect (PP3_Supporting), Patient’s phenotype or family history highly specific for the disease (PP4_Strong)

Classification method: ACMG Guidelines [PMID:25741868] with modifications

Literature cited by the submitters: PubMed 27246110.

NM_000202.8(IDS):c.670G>C (p.Gly224Arg)

Genes: IDS (iduronate 2-sulfatase; minus strand), LOC106050102 (IDS recombination region; plus strand). Cytogenetic location: Xq28.
Variant type: single nucleotide variant.
Coding change: c.670G>C on transcript NM_000202.8 (MANE Select); coding-DNA position 670, G replaced by C.
Protein change: p.Gly224Arg; replaces glycine 224 with arginine.
Molecular consequence: missense variant. On other transcripts: non-coding transcript variant (1).
Genome position (GRCh38, 1-based): chrX:149,498,145, C>G on the plus strand (G>C on the coding strand, the complement: IDS is on the minus strand). VCF-style: chrX-149498145-C-G. GRCh37 (hg19) VCF-style: chrX-148579676-C-G.
Other names: c.400G>C, p.Gly134Arg (NM_001166550.4); c.670G>C, p.Gly224Arg (NM_006123.5); short protein forms G134R, G224R.
Identifiers: ClinVar variation 3255792 (VCV003255792.2).